The following is an entry in ClinVar:

NM_000222.3(KIT):c.2882G>A (p.Gly961Asp)

Gene: KIT (KIT proto-oncogene, receptor tyrosine kinase; plus strand). Cytogenetic location: 4q12.
Variant type: single nucleotide variant.
Coding change: c.2882G>A on transcript NM_000222.3 (MANE Select); coding-DNA position 2882, G replaced by A.
Protein change: p.Gly961Asp; replaces glycine 961 with aspartic acid.
Molecular consequence: missense variant.
Genome position (GRCh38, 1-based): chr4:54,738,508, G>A. VCF-style: chr4-54738508-G-A. GRCh37 (hg19) VCF-style: chr4-55604674-G-A.
Other names: c.2870G>A, p.Gly957Asp (NM_001093772.2, NM_001385292.1); c.2885G>A, p.Gly962Asp (NM_001385284.1); c.2879G>A, p.Gly960Asp (NM_001385285.1); c.2867G>A, p.Gly956Asp (NM_001385286.1); c.2873G>A, p.Gly958Asp (NM_001385288.1); c.2882G>A, p.Gly961Asp (NM_001385290.1); short protein forms G958D, G962D, G960D, G956D, G957D, G961D.
Identifiers: ClinVar variation 1480750 (VCV001480750.11), dbSNP rs1334133798, ClinGen allele CA356916391.

ClinVar aggregate classification (germline): Uncertain significance. Review status: criteria provided, multiple submitters, no conflicts (2 of 4 stars). 3 submissions from 3 submitters: Uncertain significance (3). Last evaluated 2025-12-01.

Conditions:
Hereditary cancer-predisposing syndrome. Also called: Hereditary neoplastic syndrome; Tumor predisposition; Hereditary Cancer Syndrome; Neoplastic Syndromes, Hereditary. Identifiers: Orphanet 140162, MedGen C0027672, MeSH D009386, MONDO:0015356.
Gastrointestinal stromal tumor. Also called: Gastrointestinal stroma tumor; Gastrointestinal stromal tumor, somatic. Identifiers: Orphanet 44890, MedGen C0238198, MeSH D046152, MONDO:0011719, OMIM 606764, HP:0100723.

Allele frequency attached by ClinVar (database versions not stated): gnomAD exomes 0.00001; TOPMed 0.00001; gnomAD 0.00001.
gnomAD v4.1: 4 of 1,613,938 alleles (0.00025%); highest among the groups gnomAD compares: Admixed American, 0.005%; no homozygotes.

Submissions (3):

Labcorp Genetics (formerly Invitae), Labcorp
Classification: Uncertain significance for Gastrointestinal stromal tumor. Last evaluated: 2025-12-01. Review status: criteria provided, single submitter. Criteria: Invitae Variant Classification Sherloc (09022015). Collection method: clinical testing. Allele origin: germline.
Comment: This sequence change replaces glycine, which is neutral and non-polar, with aspartic acid, which is acidic and polar, at codon 961 of the KIT protein (p.Gly961Asp). This variant is present in population databases (no rsID available, gnomAD 0.006%). This variant has not been reported in the literature in individuals affected with KIT-related conditions. ClinVar contains an entry for this variant (Variation ID: 1480750). An algorithm developed to predict the effect of missense changes on protein structure and function (PolyPhen-2) suggests that this variant is likely to be disruptive. In summary, the available evidence is currently insufficient to determine the role of this variant in disease. Therefore, it has been classified as a Variant of Uncertain Significance.

Ambry Genetics
Classification: Uncertain significance for Hereditary cancer-predisposing syndrome. Last evaluated: 2025-03-12. Review status: criteria provided, single submitter. Criteria: Ambry Variant Classification Scheme 2023. Collection method: clinical testing. Allele origin: germline.
Comment: The p.G961D variant (also known as c.2882G>A), located in coding exon 21 of the KIT gene, results from a G to A substitution at nucleotide position 2882. The glycine at codon 961 is replaced by aspartic acid, an amino acid with similar properties. This amino acid position is highly conserved in available vertebrate species. In addition, the in silico prediction for this alteration is inconclusive. Based on the available evidence, the clinical significance of this variant remains unclear.

Baylor Genetics
Classification: Uncertain significance for Gastrointestinal stromal tumor. Last evaluated: 2023-08-25. Review status: criteria provided, single submitter. Criteria: ACMG Guidelines, 2015. Collection method: clinical testing. Allele origin: unknown.